The following is an entry in ClinVar:

NM_032043.3(BRIP1):c.628-3C>G

Gene: BRIP1 (BRCA1 interacting DNA helicase 1; minus strand). Cytogenetic location: 17q23.2.
Variant type: single nucleotide variant.
Coding change: c.628-3C>G on transcript NM_032043.3 (MANE Select); 3 bases into the intron before coding-DNA position 628, C replaced by G.
Molecular consequence: intron variant.
Genome position (GRCh38, 1-based): chr17:61,808,760, G>C on the plus strand (C>G on the coding strand, the complement: BRIP1 is on the minus strand). VCF-style: chr17-61808760-G-C. GRCh37 (hg19) VCF-style: chr17-59886121-G-C.
Identifiers: ClinVar variation 1752613 (VCV001752613.2), dbSNP rs2145424078, ClinGen allele CA2580094716.

ClinVar aggregate classification (germline): Likely pathogenic (1 of 4 stars; one submission).

Conditions:
Hereditary cancer-predisposing syndrome. Also called: Hereditary Cancer Syndrome; Hereditary neoplastic syndrome; Neoplastic Syndromes, Hereditary; Tumor predisposition. Identifiers: Orphanet 140162, MedGen C0027672, MeSH D009386, MONDO:0015356.

Submission:

Ambry Genetics
Classification: Likely pathogenic for Hereditary cancer-predisposing syndrome. Last evaluated: 2021-01-22. Review status: criteria provided, single submitter. Criteria: Ambry Variant Classification Scheme 2023. Collection method: clinical testing. Allele origin: germline.
Comment: The c.628-3C>G intronic variant results from a C to G substitution 3 nucleotides upstream from coding exon 6 in the BRIP1 gene. This nucleotide position is highly conserved in available vertebrate species. In silico splice site analysis predicts that this alteration will weaken the native splice acceptor site and will result in the creation or strengthening of a novel splice acceptor site. RNA studies have demonstrated that this alteration results in abnormal splicing in the set of samples tested (Ambry internal data). Based on the majority of available evidence to date, this variant is likely to be pathogenic.